The following is an entry in ClinVar:

NM_004444.5(EPHB4):c.2915C>A (p.Ala972Asp)

Gene: EPHB4 (EPH receptor B4; minus strand). Cytogenetic location: 7q22.1.
Variant type: single nucleotide variant.
Coding change: c.2915C>A on transcript NM_004444.5 (MANE Select); coding-DNA position 2915, C replaced by A.
Protein change: p.Ala972Asp; replaces alanine 972 with aspartic acid.
Molecular consequence: missense variant.
Genome position (GRCh38, 1-based): chr7:100,803,510, G>T on the plus strand (C>A on the coding strand, the complement: EPHB4 is on the minus strand). VCF-style: chr7-100803510-G-T. GRCh37 (hg19) VCF-style: chr7-100401132-G-T.
Other names: short protein forms A972D.
Identifiers: ClinVar variation 3068705 (VCV003068705.1), dbSNP rs1365926219, ClinGen allele CA368565986.
Genomic context (GRCh38, chr7:100,803,510, plus strand): 5'-GTTCCTGCAGGTCAGTACTGCGGGGCCGGTCCTCCTGTCCCACCCGGGGTTCCCGGCTTG[G>T]CCTGGGACTTCATGTGCTGGACACTGGCCAAGATTTTCTTCTGGTGTCCCGCCAGAGTGA-3'
Protein context (NP_004435.3, residues 962-982): LASVQHMKSQ[Ala972Asp]KPGTPGGTGG

ClinVar aggregate classification (germline): Uncertain significance (1 of 4 stars; one submission).

Conditions:
EPHB4-associated vascular malformation spectrum. Identifiers: MedGen CN315656, MONDO:0700080.

Allele frequency attached by ClinVar (database versions not stated): gnomAD exomes below 0.00001; gnomAD 0.00001.
gnomAD v4.1: 3 of 1,592,296 alleles (0.00019%); highest among the groups gnomAD compares: East Asian, 0.0023%; no homozygotes.

Submission:

Molecular Genetics, Royal Melbourne Hospital
Classification: Uncertain significance for EPHB4-associated vascular malformation spectrum. Last evaluated: 2024-01-05. Review status: criteria provided, single submitter. Criteria: ACMG Guidelines, 2015. Collection method: clinical testing. Allele origin: germline. Inheritance: Autosomal dominant inheritance.
Comment: This sequence change in EPHB4 is predicted to replace alanine with aspartic acid at codon 972, p.(Ala972Asp). The alanine residue is moderately conserved (61/96 vertebrates, UCSC), and is not located in an annotated domain. There is a large physicochemical difference between alanine and aspartic acid. This variant is present in a single individual in the East Asian population (1/5,176 alleles) in the population database gnomAD v3.1. To our knowledge, this variant has not been reported in the literature. Multiple lines of computational evidence predict a benign effect for the missense substitution (6/6 algorithms). Based on the classification scheme RMH Modified ACMG Guidelines v1.5.1, this variant is classified as a VARIANT OF UNCERTAIN SIGNIFICANCE. Following criteria are met: PM2_Supporting, BP4.